The following is an entry in ClinVar:

ClinVar aggregate classification (germline): Uncertain significance (1 of 4 stars; one submission).

Conditions:
Inborn genetic diseases. Identifiers: MedGen C0950123, MeSH D030342.

Allele frequency attached by ClinVar (database versions not stated): gnomAD exomes below 0.00001.
gnomAD v4.1: 1 of 1,612,012 alleles (0.000062%); highest among the groups gnomAD compares: Non-Finnish European, 0.000085%; no homozygotes.

Submission:

Ambry Genetics
Classification: Uncertain significance for Inborn genetic diseases. Last evaluated: 2021-12-18. Review status: criteria provided, single submitter. Criteria: Ambry Variant Classification Scheme 2023. Collection method: clinical testing. Allele origin: germline.
Comment: The p.N1314Y variant (also known as c.3940A>T), located in coding exon 21 of the ATR gene, results from an A to T substitution at nucleotide position 3940. The asparagine at codon 1314 is replaced by tyrosine, an amino acid with dissimilar properties. This amino acid position is conserved. In addition, the in silico prediction for this alteration is inconclusive. Since supporting evidence is limited at this time, the clinical significance of this alteration remains unclear.

NM_001184.4(ATR):c.3940A>T (p.Asn1314Tyr)

Gene: ATR (ATR checkpoint kinase; minus strand). Cytogenetic location: 3q23.
Variant type: single nucleotide variant.
Coding change: c.3940A>T on transcript NM_001184.4 (MANE Select); coding-DNA position 3940, A replaced by T.
Protein change: p.Asn1314Tyr; replaces asparagine 1314 with tyrosine.
Molecular consequence: missense variant.
Genome position (GRCh38, 1-based): chr3:142,535,085, T>A on the plus strand (A>T on the coding strand, the complement: ATR is on the minus strand). VCF-style: chr3-142535085-T-A. GRCh37 (hg19) VCF-style: chr3-142253927-T-A.
Other names: c.3748A>T, p.Asn1250Tyr (NM_001354579.2); short protein forms N1250Y, N1314Y.
Identifiers: ClinVar variation 1736351 (VCV001736351.2), dbSNP rs2108424267, ClinGen allele CA354805682.
Genomic context (GRCh38, chr3:142,535,085, plus strand): 5'-TTAAGCCTCCAATCTTTCTTTGTTATACATTTTTAATTATATCATATTAGCATACCTGAT[T>A]TTTATACAAGGTTTCCTTCAAGCTTGTAAGAGCATGAATACGAACATCGACATTTTCATG-3'
Protein context (NP_001175.2, residues 1304-1324): LTSLKETLYK[Asn1314Tyr]QEKLIKYATD